The following is an entry in ClinVar:

ClinVar aggregate classification (germline): Conflicting classifications of pathogenicity. Review status: criteria provided, conflicting classifications (1 of 4 stars). 13 submissions from 13 submitters: Uncertain significance (11); Likely benign (1). 1 of the submissions does not count toward it. Last evaluated 2026-01-26.

Conditions:
MUTYH-related disorder. Also called: MUTYH-related condition; MUTYH-related disorders.
Hereditary cancer-predisposing syndrome. Also called: Tumor predisposition; Hereditary Cancer Syndrome; Hereditary neoplastic syndrome; Neoplastic Syndromes, Hereditary. Identifiers: Orphanet 140162, MedGen C0027672, MeSH D009386, MONDO:0015356.
Familial adenomatous polyposis 2. Also called: FAP type 2; MUTYH-associated polyposis; COLORECTAL ADENOMATOUS POLYPOSIS, AUTOSOMAL RECESSIVE; MUTYH Polyposis; MUTYH-related attenuated familial adenomatous polyposis; Adenomas, multiple colorectal. Identifiers: Orphanet 220460, Orphanet 247798, MedGen C3272841, MONDO:0012041, OMIM 608456.

Allele frequency attached by ClinVar (database versions not stated): gnomAD 0.00008; TOPMed 0.00010; 1000 Genomes Project 30x 0.00016; 1000 Genomes Project 0.00020; ESP Exome Variant Server 0.00031.
gnomAD v4.1: 150 of 1,614,192 alleles (0.0093%); highest among the groups gnomAD compares: Non-Finnish European, 0.012%; no homozygotes.

Submissions (13):

Labcorp Genetics (formerly Invitae), Labcorp
Classification: Uncertain significance for Familial adenomatous polyposis 2. Last evaluated: 2026-01-26. Review status: criteria provided, single submitter. Criteria: Invitae Variant Classification Sherloc (09022015). Collection method: clinical testing. Allele origin: germline.
Comment: This sequence change replaces aspartic acid, which is acidic and polar, with tyrosine, which is neutral and polar, at codon 530 of the MUTYH protein (p.Asp530Tyr). This variant is present in population databases (rs147923905, gnomAD 0.01%). This missense change has been observed in individual(s) with pancreatic cancer and/or lung cancer (PMID: 32255556, 34816434). ClinVar contains an entry for this variant (Variation ID: 182685). An algorithm developed to predict the effect of missense changes on protein structure and function (PolyPhen-2) suggests that this variant is likely to be disruptive. RNA analysis performed to evaluate the impact of this missense change on mRNA splicing indicates it does not significantly alter splicing (internal data). In summary, the available evidence is currently insufficient to determine the role of this variant in disease. Therefore, it has been classified as a Variant of Uncertain Significance.

Center for Genomic Medicine, Rigshospitalet, Copenhagen University Hospital
Classification: Uncertain significance. Last evaluated: 2025-12-29. Review status: criteria provided, single submitter. Criteria: ACMG Guidelines, 2015. Collection method: clinical testing. Allele origin: germline.

Color Diagnostics, LLC DBA Color Health
Classification: Uncertain significance for Hereditary cancer-predisposing syndrome. Last evaluated: 2025-10-30. Review status: criteria provided, single submitter. Criteria: ACMG Guidelines, 2015. Collection method: clinical testing. Allele origin: germline.
Comment: This missense variant replaces aspartic acid with tyrosine at codon 530 of the MUTYH protein. This variant is also known as c.1546G>T (p.Asp516Tyr) based on an alternative transcript (NM_001048171). Computational prediction suggests that this variant may not impact protein structure and function. A study using a high-throughput assay reported that this variant was functionally neutral. This variant has been reported in an individual affected with colon polyps (DOI: 10.14309/01.ajg.0001041440.23780.f7), pancreatic ductal adenocarcinoma (PMID: 32255556), melanoma (PMID: 29641532), and breast cancer (PMID: 33471991), but also in unaffected controls (PMID: 30267214, 33471991). This variant has been identified in 19/282892 chromosomes in the general population by the Genome Aggregation Database (gnomAD). The available evidence is insufficient to determine the role of this variant in disease conclusively. Therefore, this variant is classified as a Variant of Uncertain Significance.

Women's Health and Genetics/Laboratory Corporation of America, LabCorp
Classification: Uncertain significance. Last evaluated: 2025-10-10. Review status: criteria provided, single submitter. Criteria: LabCorp Variant Classification Summary - May 2015. Collection method: clinical testing. Allele origin: germline.
Comment: Variant summary: MUTYH c.1588G>T (p.Asp530Tyr) results in a non-conservative amino acid change in the encoded protein sequence. Algorithms developed to predict the effect of missense changes on protein structure and function are either unavailable or do not agree on the potential impact of this missense change. The variant allele was found at a frequency of 6.8e-05 in 251494 control chromosomes. This frequency is not significantly higher than estimated for disease-causing variants in MUTYH, allowing no conclusion about variant significance. c.1588G>T has been reported in the literature in an individual affected lung adenocarcinoma (Barreiro_2022) and as a VUS in a setting of multigene panel testing in an individual with pancreatic ductal adenocarcinoma (PDAC) who did not meet the criteria for familial pancreatic cancer (FPC) or the NCCN criteria (Cremin_2020). These report(s) do not provide unequivocal conclusions about association of the variant with MUTYH-Associated Polyposis. To our knowledge, no experimental evidence demonstrating an impact on protein function has been reported. The following publications have been ascertained in the context of this evaluation (PMID: 34816434, 32255556, 32665031, 31874108). ClinVar contains an entry for this variant (Variation ID: 182685). Based on the evidence outlined above, the variant was classified as uncertain significance.

Ambry Genetics
Classification: Likely benign for Hereditary cancer-predisposing syndrome. Last evaluated: 2025-08-30. Review status: criteria provided, single submitter. Criteria: Ambry Variant Classification Scheme 2023. Collection method: clinical testing. Allele origin: germline.

Quest Diagnostics Nichols Institute San Juan Capistrano
Classification: Uncertain significance. Last evaluated: 2025-07-01. Review status: criteria provided, single submitter. Criteria: Quest Diagnostics criteria. Collection method: clinical testing. Allele origin: unknown.
Comment: The MUTYH c.1588G>T (p.Asp530Tyr) variant has been reported in the published literature in individuals with pancreatic cancer (PMID: 32255556 (2020)), melanoma and breast cancer (PMID: 29641532 (2018)), and lung adenocarcinoma (PMID: 34816434 (2022)). In a large breast cancer association study, this variant was identified both in reportedly unaffected individuals and those with breast cancer (PMID: 33471991 (2021), see also LOVD). The frequency of this variant in the general population (Genome Aggregation Database) is uninformative in the assessment of its pathogenicity. Analysis of this variant using bioinformatics tools for the prediction of the effect of amino acid changes on protein structure and function yielded conflicting predictions that this variant is benign or damaging. Based on the available information, we are unable to determine the clinical significance of this variant.

GeneDx
Classification: Uncertain significance. Last evaluated: 2024-04-02. Review status: criteria provided, single submitter. Criteria: GeneDx Variant Classification Process June 2021. Collection method: clinical testing. Allele origin: germline. Affected: yes.
Comment: Reported in an individual with melanoma, breast, and endometrial cancer as well as an individual with pancreatic cancer (PMID: 32255556, 29641532); Not observed at significant frequency in large population cohorts (gnomAD); In silico analysis supports that this missense variant does not alter protein structure/function; This variant is associated with the following publications: (PMID: 26246501, 29641532, 32255556, 11092888, 23108399, 16996809, 30267214, 33471991, 34816434)

Baylor Genetics
Classification: Uncertain significance for Familial adenomatous polyposis 2. Last evaluated: 2024-02-17. Review status: criteria provided, single submitter. Criteria: ACMG Guidelines, 2015. Collection method: clinical testing. Allele origin: unknown.

All of Us Research Program, National Institutes of Health
Classification: Uncertain significance for Familial adenomatous polyposis 2. Last evaluated: 2023-12-07. Review status: criteria provided, single submitter. Criteria: ACMG Guidelines, 2015. Collection method: clinical testing. Allele origin: germline. Inheritance: Autosomal recessive inheritance. Observed: 20 variant alleles, 20 heterozygotes.
Comment: This missense variant replaces aspartic acid with tyrosine at codon 530 of the MUTYH protein. This variant is also known as c.1546G>T (p.Asp516Tyr) based on an alternative transcript (NM_001048171). Computational prediction suggests that this variant may not impact protein structure and function (internally defined REVEL score threshold <= 0.5, PMID: 27666373). To our knowledge, functional studies have not been reported for this variant. This variant has been reported in an individual affected with pancreatic ductal adenocarcinoma (PMID: 32255556), melanoma (PMID: 29641532), and breast cancer (PMID: 33471991), but also in unaffected controls (PMID: 30267214, 33471991). This variant has been identified in 19/282892 chromosomes in the general population by the Genome Aggregation Database (gnomAD). The available evidence is insufficient to determine the role of this variant in disease conclusively. Therefore, this variant is classified as a Variant of Uncertain Significance.

This study involves interpretation of variants in research participants for the purpose of population health screening. Participant phenotype was not available at the time of variant classification. Additional details can be found in publication PMID: 35346344, PMCID: PMC8962531

Revvity Omics, Revvity
Classification: Uncertain significance for Familial adenomatous polyposis 2. Last evaluated: 2022-10-28. Review status: criteria provided, single submitter. Criteria: ACMG Guidelines, 2015. Collection method: clinical testing. Allele origin: germline.

Sema4
Classification: Uncertain significance for Hereditary cancer-predisposing syndrome. Last evaluated: 2022-01-06. Review status: criteria provided, single submitter. Criteria: Sema4 Curation Guidelines. Collection method: curation. Allele origin: germline.
Comment: The MUTYH c.1588G>T (p.D530Y) variant has been reported in heterozygosity in individuals with pancreatic cancer, colorectal cancer, breast cancer, melanoma, and in healthy controls (PMID: 32255556, 30267214, 33471991, 29641532). This variant was observed in 17/129190 chromosomes in the Non-Finnish European population, with no homozygotes, according to the Genome Aggregation Database (PMID: 32461654). The variant has been reported in ClinVar (Variation ID: 182685). Functional studies have not been performed, and in silico predictions of the variant's effect on protein function are inconclusive. The evidence is insufficient to meet ACMG/AMP criteria for classifying the variant as benign or pathogenic. Thus, the clinical significance of this variant is currently uncertain.

Institute for Clinical Genetics, University Hospital TU Dresden, University Hospital TU Dresden
Classification: Uncertain significance. Last evaluated: 2021-11-03. Review status: criteria provided, single submitter. Criteria: ACMG Guidelines, 2015. Collection method: clinical testing. Allele origin: germline.

PreventionGenetics, part of Exact Sciences
Classification: Uncertain significance for MUTYH-related condition. Last evaluated: 2024-08-26. Review status: no assertion criteria provided. Collection method: clinical testing. Allele origin: germline. Not counted in ClinVar's aggregate classification.
Comment: The MUTYH c.1588G>T variant is predicted to result in the amino acid substitution p.Asp530Tyr. This variant was reported in an individual with pancreatic ductal adenocarcinoma and in an individual with lung adenocarcinoma (Table S3, Cremin et al. 2020. PubMed ID: 32255556; Barreiro RAS et al. 2021. PubMed ID: 34816434). This variant is reported in 0.013% of alleles in individuals of European (Non-Finnish) descent in gnomAD and has been interpreted as variant of uncertain significance in the ClinVar database. At this time, the clinical significance of this variant is uncertain due to the absence of conclusive functional and genetic evidence.

Literature cited by the submitters: PubMed 32255556 (cited by 7 submitters); PubMed 34816434 (cited by 3 submitters); PubMed 29641532 (cited by 5 submitters); PubMed 30267214 (cited by 5 submitters); PubMed 33471991 (cited by 4 submitters); PubMed 32665031 (cited by Women's Health and Genetics/Laboratory Corporation of America, LabCorp); PubMed 31874108 (cited by Women's Health and Genetics/Laboratory Corporation of America, LabCorp); PubMed 16996809 (cited by Ambry Genetics); PubMed 40738107 (cited by Ambry Genetics).

NM_001048174.2(MUTYH):c.1504G>T (p.Asp502Tyr)

Gene: MUTYH (mutY DNA glycosylase; minus strand). Cytogenetic location: 1p34.1.
Variant type: single nucleotide variant.
Coding change: c.1504G>T on transcript NM_001048174.2 (MANE Select); coding-DNA position 1504, G replaced by T.
Protein change: p.Asp502Tyr; replaces aspartic acid 502 with tyrosine.
Molecular consequence: missense variant. On other transcripts: non-coding transcript variant (2).
Genome position (GRCh38, 1-based): chr1:45,329,368, C>A on the plus strand (G>T on the coding strand, the complement: MUTYH is on the minus strand). VCF-style: chr1-45329368-C-A. GRCh37 (hg19) VCF-style: chr1-45795040-C-A.
Other names: p.D530Y:GAT>TAT; c.1504G>T, p.Asp502Tyr (NM_001048171.2, NM_001048173.2, NM_001293195.2); c.1507G>T, p.Asp503Tyr (NM_001048172.2); c.1588G>T, p.Asp530Tyr (NM_001128425.2); c.1549G>T, p.Asp517Tyr (NM_001293190.2); c.1537G>T, p.Asp513Tyr (NM_001293191.2); c.1228G>T, p.Asp410Tyr (NM_001293192.2, NM_001293196.2); c.1159G>T, p.Asp387Tyr (NM_001350650.2, NM_001350651.2); and 1 more; short protein forms D530Y, D410Y, D387Y, D513Y, D517Y, D527Y, D502Y, D503Y.
Identifiers: ClinVar variation 182685 (VCV000182685.46), dbSNP rs147923905, ClinGen allele CA013123.